The following is an entry in ClinVar:

ClinVar aggregate classification (germline): Pathogenic (1 of 4 stars; one submission).

Conditions:
Brody myopathy. Also called: BRODY DISEASE. Identifiers: Orphanet 53347, MedGen C1832918, MONDO:0010977, OMIM 601003.

Submission:

Labcorp Genetics (formerly Invitae), Labcorp
Classification: Pathogenic for Brody myopathy. Last evaluated: 2020-02-22. Review status: criteria provided, single submitter. Criteria: Invitae Variant Classification Sherloc (09022015). Collection method: clinical testing. Allele origin: germline.
Comment: This variant is an out-of-frame deletion of the genomic region encompassing exon 9 of the ATP2A1 gene. This is expected to create a premature translational stop signal and result in an absent or disrupted protein product. This variant has not been reported in the literature in individuals with ATP2A1-related conditions. Loss-of-function variants in ATP2A1 are known to be pathogenic (PMID: 8841193, 10914677, 23911890). For these reasons, this variant has been classified as Pathogenic.

Literature cited by the submitters: PubMed 8841193; PubMed 10914677; PubMed 23911890.

NC_000016.9:g.(?_28900098)_(28900284_?)del

Gene: ATP2A1 (ATPase sarcoplasmic/endoplasmic reticulum Ca2+ transporting 1; plus strand). Cytogenetic location: 16p11.2.
Variant type: Deletion.
Identifiers: ClinVar variation 1073848 (VCV001073848.6).